The following is an entry in ClinVar:

ClinVar aggregate classification (germline): Likely benign. Review status: criteria provided, multiple submitters, no conflicts (2 of 4 stars). 2 submissions from 2 submitters: Likely benign (2). Last evaluated 2023-05-16.

Conditions:
Cardiomyopathy (CMYO). Also called: Cardiomyopathies. Identifiers: Orphanet 167848, MedGen C0878544, MONDO:0004994, HP:0001638. Inheritance: Various modes of inheritance.
Hypertrophic cardiomyopathy. Also called: HYPERTROPHIC MYOCARDIOPATHY. Identifiers: Orphanet 217569, MedGen C0007194, MeSH D002312, MONDO:0005045, HP:0001639.

Allele frequency attached by ClinVar (database versions not stated): gnomAD exomes below 0.00001.
gnomAD v4.1: 2 of 1,614,142 alleles (0.00012%); highest among the groups gnomAD compares: Non-Finnish European, 0.00017%; no homozygotes.

Submissions (2):

All of Us Research Program, National Institutes of Health
Classification: Likely benign for Cardiomyopathy. Last evaluated: 2023-05-16. Review status: criteria provided, single submitter. Criteria: ACMG Guidelines, 2015. Collection method: clinical testing. Allele origin: germline. Inheritance: Autosomal dominant inheritance. Observed: 1 variant allele, 1 heterozygote.
Comment: This study involves interpretation of variants in research participants for the purpose of population health screening. Participant phenotype was not available at the time of variant classification. Additional details can be found in publication PMID: 35346344, PMCID: PMC8962531

Labcorp Genetics (formerly Invitae), Labcorp
Classification: Likely benign for Hypertrophic cardiomyopathy. Last evaluated: 2022-10-23. Review status: criteria provided, single submitter. Criteria: Invitae Variant Classification Sherloc (09022015). Collection method: clinical testing. Allele origin: germline.

NM_000257.4(MYH7):c.492C>T (p.Tyr164=)

Gene: MYH7 (myosin heavy chain 7; minus strand). Cytogenetic location: 14q11.2.
Variant type: single nucleotide variant.
Coding change: c.492C>T on transcript NM_000257.4 (MANE Select); coding-DNA position 492, C replaced by T.
Protein change: p.Tyr164=; no amino-acid change (tyrosine 164 retained).
Molecular consequence: synonymous variant.
Genome position (GRCh38, 1-based): chr14:23,432,649, G>A on the plus strand (C>T on the coding strand, the complement: MYH7 is on the minus strand). VCF-style: chr14-23432649-G-A. GRCh37 (hg19) VCF-style: chr14-23901858-G-A.
Identifiers: ClinVar variation 1152806 (VCV001152806.10), dbSNP rs2138684408, ClinGen allele CA485626403.
Genomic context (GRCh38, chr14:23,432,649, plus strand): 5'-TCCCGGCCTATCCCAGTTCCCTTCAGGAAGACCCTTCCAGGGCCTCTCACCTGTCAGCAT[G>A]TACTGATAGGCGTTGTCGGAGATGGAGAAGATGTGGGGCGGGGCCTCGCTCCTCTTCTTG-3'
Protein context (NP_000248.2, residues 154-174): IFSISDNAYQ[Tyr164=]MLTDRENQSI